The following is an entry in ClinVar:

NM_000368.5(TSC1):c.249del (p.Ala84fs)

Gene: TSC1 (TSC complex subunit 1; minus strand). Cytogenetic location: 9q34.13.
Variant type: Deletion.
Coding change: c.249del on transcript NM_000368.5 (MANE Select); coding-DNA position 249, one base deleted (C; older notation c.249delC).
Protein change: p.Ala84fs; shifts the reading frame from alanine 84.
Molecular consequence: frameshift variant. On other transcripts: 5 prime UTR variant (18), non-coding transcript variant (5), intron variant (5).
Genome position (GRCh38, 1-based): chr9:132,925,701, G deleted on the plus strand (C on the coding strand, the reverse complement: TSC1 is on the minus strand); the first of 2 consecutive G bases (chr9:132,925,701-132,925,702); deleting either gives the same sequence. VCF-style (leftmost placement, unchanged base first): chr9-132925700-CG-C. GRCh37 (hg19) VCF-style: chr9-135801087-CG-C.
Other names: c.-629del (NM_001406626.1, NM_001406627.1, NM_001406628.1); c.-771del (NM_001406629.1); c.-845del (NM_001406630.1); c.210+1500del (NM_001406613.1, NM_001406612.1, NM_001406610.1 and 2 more transcripts); c.-240del (NM_001406615.1, NM_001406623.1); c.-207del (NM_001406616.1, NM_001406624.1, NM_001406614.1); c.-115del (NM_001406617.1, NM_001406618.1, NM_001406619.1 and 5 more transcripts); c.249del, p.Ala84fs (NM_001162426.2, NM_001406592.1, NM_001406593.1 and 16 more transcripts); short protein forms A84fs.
Identifiers: ClinVar variation 3660439 (VCV003660439.2).

ClinVar aggregate classification (germline): Pathogenic (1 of 4 stars; one submission).

Conditions:
Tuberous sclerosis 1 (TSC1). Identifiers: Orphanet 805, MedGen C1854465, MONDO:0008612, OMIM 191100.

Submission:

Labcorp Genetics (formerly Invitae), Labcorp
Classification: Pathogenic for Tuberous sclerosis 1. Last evaluated: 2024-07-24. Review status: criteria provided, single submitter. Criteria: Invitae Variant Classification Sherloc (09022015). Collection method: clinical testing. Allele origin: germline.
Comment: This sequence change creates a premature translational stop signal (p.Ala84Profs*14) in the TSC1 gene. It is expected to result in an absent or disrupted protein product. Loss-of-function variants in TSC1 are known to be pathogenic (PMID: 10227394, 17304050). This variant is not present in population databases (gnomAD no frequency). This variant has not been reported in the literature in individuals affected with TSC1-related conditions. Algorithms developed to predict the effect of sequence changes on RNA splicing suggest that this variant may disrupt the consensus splice site. For these reasons, this variant has been classified as Pathogenic.

Literature cited by the submitters: PubMed 10227394; PubMed 17304050.